The following is an entry in ClinVar:

ClinVar aggregate classification (germline): Likely pathogenic (1 of 4 stars; one submission).

Conditions:
Nemaline myopathy 2 (NEM2). Also called: Nemaline myopathy 2, autosomal recessive. Identifiers: MedGen C1850569, MONDO:0009725, OMIM 256030.

Submission:

Myriad Genetics, Inc.
Classification: Likely pathogenic for Nemaline myopathy 2. Last evaluated: 2022-03-17. Review status: criteria provided, single submitter. Criteria: Myriad Women's Health Autosomal Recessive and X-Linked Classification Criteria (2021). Collection method: clinical testing. Allele origin: unknown.
Comment: NM_001271208.1(NEB):c.11529delG(H3844Mfs*34) is expected to be pathogenic in the context of NEB-related nemaline myopathy. This variant is predicted to lead to an abnormal or absent protein product due to the creation of a premature termination codon in NEB, a gene where loss-of-function variants are known to be pathogenic. Please note: this variant was assessed in the context of healthy population screening.

NM_001164508.2(NEB):c.11529del (p.His3844fs)

Gene: NEB (nebulin; minus strand). Cytogenetic location: 2q23.3.
Variant type: Deletion.
Coding change: c.11529del on transcript NM_001164508.2 (MANE Select); coding-DNA position 11529, one base deleted (G; older notation c.11529delG).
Protein change: p.His3844fs; shifts the reading frame from histidine 3844.
Molecular consequence: frameshift variant.
Genome position (GRCh38, 1-based): chr2:151,614,348, C deleted on the plus strand (G on the coding strand, the reverse complement: NEB is on the minus strand). VCF-style (leftmost placement, unchanged base first): chr2-151614347-GC-G. GRCh37 (hg19) VCF-style: chr2-152470861-GC-G.
Other names: c.11529del, p.His3844fs (NM_001164507.2, NM_001271208.2); c.10800del, p.His3601fs (NM_004543.5); short protein forms H3601fs, H3844fs.
Identifiers: ClinVar variation 1725341 (VCV001725341.2), dbSNP rs2552230034, ClinGen allele CA2580064181.